The following is an entry in ClinVar:

NM_001171.6(ABCC6):c.3883-6G>A

Gene: ABCC6 (ATP binding cassette subfamily C member 6; minus strand). Cytogenetic location: 16p13.11.
Variant type: single nucleotide variant.
Coding change: c.3883-6G>A on transcript NM_001171.6 (MANE Select); 6 bases into the intron before coding-DNA position 3883, G replaced by A.
Molecular consequence: intron variant.
Genome position (GRCh38, 1-based): chr16:16,155,037, C>T on the plus strand (G>A on the coding strand, the complement: ABCC6 is on the minus strand). VCF-style: chr16-16155037-C-T. GRCh37 (hg19) VCF-style: chr16-16248894-C-T.
Other names: c.3541-6G>A (NM_001351800.1).
Identifiers: ClinVar variation 433394 (VCV000433394.27), dbSNP rs72664214, ClinGen allele CA7925382.

ClinVar aggregate classification (germline): Pathogenic/Likely pathogenic. Review status: criteria provided, multiple submitters, no conflicts (2 of 4 stars). 8 submissions from 8 submitters: Pathogenic (3); Likely pathogenic (3). 2 of the submissions do not count toward it. Last evaluated 2025-08-01.

Conditions:
Retinal dystrophy. Also called: Inherited retinal dystrophy. Identifiers: Orphanet 71862, MedGen C0854723, MeSH D058499, MONDO:0019118, HP:0000556.
ABCC6-related disorder. Also called: ABCC6-related condition.
Autosomal recessive inherited pseudoxanthoma elasticum (PXE). Identifiers: Orphanet 758, MedGen CN032334, MONDO:0009925, OMIM 264800.
Pseudoxanthoma elasticum, forme fruste. Also called: Pseudoxanthoma Elasticum, Incomplete; PSEUDOXANTHOMA ELASTICUM, HETEROZYGOUS. Identifiers: Orphanet 758, MedGen C1867450, MONDO:0008333, OMIM 177850.
Arterial calcification, generalized, of infancy, 2. Identifiers: Orphanet 51608, MedGen C3276161, MONDO:0013768, OMIM 614473.

Allele frequency attached by ClinVar (database versions not stated): gnomAD 0.00002; TOPMed 0.00003; gnomAD exomes 0.00005.
gnomAD v4.1: 54 of 1,551,524 alleles (0.0035%); highest among the groups gnomAD compares: East Asian, 0.015%; no homozygotes.

Submissions (8):

Labcorp Genetics (formerly Invitae), Labcorp
Classification: Pathogenic. Last evaluated: 2025-08-01. Review status: criteria provided, single submitter. Criteria: Invitae Variant Classification Sherloc (09022015). Collection method: clinical testing. Allele origin: germline.
Comment: This sequence change falls in intron 27 of the ABCC6 gene. It does not directly change the encoded amino acid sequence of the ABCC6 protein. This variant is present in population databases (rs72664214, gnomAD 0.03%). This variant has been observed in individuals with pseudoxanthoma elasticum (PMID: 16086317, 16835894). It has also been observed to segregate with disease in related individuals. ClinVar contains an entry for this variant (Variation ID: 433394). Algorithms developed to predict the effect of sequence changes on RNA splicing suggest that this variant may disrupt the consensus splice site. For these reasons, this variant has been classified as Pathogenic.

CeGaT Center for Human Genetics Tuebingen
Classification: Likely pathogenic. Last evaluated: 2025-03-01. Review status: criteria provided, single submitter. Criteria: CeGaT Center For Human Genetics Tuebingen Variant Classification Criteria Version 2. Collection method: clinical testing. Allele origin: germline. Affected: yes. Observed: 1 variant allele.
Comment: ABCC6: PM3:Strong, PM2, PP3

Blueprint Genetics
Classification: Pathogenic for ABCC6-related disorders. Last evaluated: 2024-08-28. Review status: criteria provided, single submitter. Criteria: ACMG Guidelines, 2015. Collection method: clinical testing. Allele origin: germline. Affected: yes. Observed: 5 variant alleles.

Fulgent Genetics
Classification: Likely pathogenic for Pseudoxanthoma elasticum, forme fruste; Autosomal recessive inherited pseudoxanthoma elasticum; Arterial calcification, generalized, of infancy, 2. Last evaluated: 2024-05-11. Review status: criteria provided, single submitter. Criteria: ACMG Guidelines, 2015. Collection method: clinical testing. Allele origin: germline.

Institute of Human Genetics, Univ. Regensburg, Univ. Regensburg
Classification: Pathogenic for Retinal dystrophy. Last evaluated: 2023-01-01. Review status: criteria provided, single submitter. Criteria: ACMG Guidelines, 2015. Collection method: clinical testing. Allele origin: germline. Affected: yes.

GeneDx
Classification: Likely pathogenic. Last evaluated: 2020-10-06. Review status: criteria provided, single submitter. Criteria: GeneDx Variant Classification Process June 2021. Collection method: clinical testing. Allele origin: germline. Affected: yes.
Comment: In silico analysis, which includes splice predictors and evolutionary conservation, supports a deleterious effect; This variant is associated with the following publications: (PMID: 31456290, 20189652, 16086317, 23485117, 16835894, 32489700)

PXE International
Classification: Uncertain significance for Autosomal recessive inherited pseudoxanthoma elasticum. Last evaluated: 2021-03-01. Review status: no assertion criteria provided. Collection method: research. Allele origin: germline. Inheritance: Autosomal recessive inheritance. Affected: yes. Observed: 1 variant allele. Not counted in ClinVar's aggregate classification.

Sharon lab, Hadassah-Hebrew University Medical Center
Classification: Likely pathogenic for Pseudoxanthoma elasticum. Last evaluated: 2019-06-23. Review status: no assertion criteria provided. Collection method: research. Allele origin: inherited. Affected: yes. Not counted in ClinVar's aggregate classification.

Literature cited by the submitters: PubMed 16086317 (cited by 3 submitters); PubMed 16835894 (cited by Labcorp Genetics (formerly Invitae), Labcorp); PubMed 31589614 (cited by Institute of Human Genetics, Univ. Regensburg, Univ. Regensburg); PubMed 31456290 (cited by Institute of Human Genetics, Univ. Regensburg, Univ. Regensburg); PubMed 34906475 (cited by Institute of Human Genetics, Univ. Regensburg, Univ. Regensburg); PubMed 35261845 (cited by Institute of Human Genetics, Univ. Regensburg, Univ. Regensburg).